The following is an entry in ClinVar:

NM_002471.4(MYH6):c.393G>A (p.Leu131=)

Genes: MYH6 (myosin heavy chain 6; minus strand), LOC114827851 (VISTA enhancer hs2155; plus strand). Cytogenetic location: 14q11.2.
Variant type: single nucleotide variant.
Coding change: c.393G>A on transcript NM_002471.4 (MANE Select); coding-DNA position 393, G replaced by A.
Protein change: p.Leu131=; no amino-acid change (leucine 131 retained).
Molecular consequence: synonymous variant.
Genome position (GRCh38, 1-based): chr14:23,405,332, C>T on the plus strand (G>A on the coding strand, the complement: MYH6 is on the minus strand). VCF-style: chr14-23405332-C-T. GRCh37 (hg19) VCF-style: chr14-23874541-C-T.
Identifiers: ClinVar variation 44495 (VCV000044495.23), dbSNP rs17277970, ClinGen allele CA134363.

ClinVar aggregate classification (germline): Benign. Review status: criteria provided, multiple submitters, no conflicts (2 of 4 stars). 9 submissions from 9 submitters: Benign (6). 3 of the submissions do not count toward it. Last evaluated 2026-02-03.

Conditions:
Cardiovascular phenotype. Identifiers: MedGen CN230736.
Hypertrophic cardiomyopathy 14. Identifiers: MedGen C2750467, MONDO:0013197, OMIM 613251.

Allele frequency attached by ClinVar (database versions not stated): 1000 Genomes Project 30x 0.05606; 1000 Genomes Project 0.05711; gnomAD exomes 0.06839 and 0.07825; TOPMed 0.06941; gnomAD 0.06954 and 0.06973; ExAC 0.06986; ESP Exome Variant Server 0.08027.

Submissions (9):

Labcorp Genetics (formerly Invitae), Labcorp
Classification: Benign for Hypertrophic cardiomyopathy 14. Last evaluated: 2026-02-03. Review status: criteria provided, single submitter. Criteria: Invitae Variant Classification Sherloc (09022015). Collection method: clinical testing. Allele origin: germline.

GeneDx
Classification: Benign. Last evaluated: 2016-10-03. Review status: criteria provided, single submitter. Criteria: GeneDx Variant Classification (06012015). Collection method: clinical testing. Allele origin: germline. Affected: yes.
Comment: This variant is considered likely benign or benign based on one or more of the following criteria: it is a conservative change, it occurs at a poorly conserved position in the protein, it is predicted to be benign by multiple in silico algorithms, and/or has population frequency not consistent with disease.

Ambry Genetics
Classification: Benign for Cardiovascular phenotype. Last evaluated: 2015-06-29. Review status: criteria provided, single submitter. Criteria: Ambry Variant Classification Scheme 2023. Collection method: clinical testing. Allele origin: germline.

Laboratory for Molecular Medicine, Mass General Brigham Personalized Medicine
Classification: Benign. Last evaluated: 2011-09-16. Review status: criteria provided, single submitter. Criteria: LMM Criteria. Collection method: clinical testing. Allele origin: germline. Observed: 269 variant alleles.

Breakthrough Genomics
Classification: Benign. Review status: criteria provided, single submitter. Criteria: ACMG Guidelines, 2015. Collection method: not provided. Allele origin: germline. Inheritance: Autosomal dominant inheritance. Affected: yes.

PreventionGenetics, part of Exact Sciences
Classification: Benign. Review status: criteria provided, single submitter. Criteria: ACMG Guidelines, 2015. Collection method: clinical testing. Allele origin: germline.

Clinical Genetics DNA and cytogenetics Diagnostics Lab, Erasmus MC, Erasmus Medical Center
Classification: Benign. Review status: no assertion criteria provided. Collection method: clinical testing. Allele origin: germline. Affected: yes. Study: VKGL Data-share Consensus. Not counted in ClinVar's aggregate classification.

Clinical Genetics, Academic Medical Center
Classification: Benign. Review status: no assertion criteria provided. Collection method: clinical testing. Allele origin: germline. Affected: yes. Study: VKGL Data-share Consensus. Not counted in ClinVar's aggregate classification.

Joint Genome Diagnostic Labs from Nijmegen and Maastricht, Radboudumc and MUMC+
Classification: Benign. Review status: no assertion criteria provided. Collection method: clinical testing. Allele origin: germline. Affected: yes. Study: VKGL Data-share Consensus. Not counted in ClinVar's aggregate classification.